The following is an entry in ClinVar:

NM_006389.5(HYOU1):c.675C>T (p.Ala225=)

Gene: HYOU1 (hypoxia up-regulated 1; minus strand). Cytogenetic location: 11q23.3.
Variant type: single nucleotide variant.
Coding change: c.675C>T on transcript NM_006389.5 (MANE Select); coding-DNA position 675, C replaced by T.
Protein change: p.Ala225=; no amino-acid change (alanine 225 retained).
Molecular consequence: synonymous variant.
Genome position (GRCh38, 1-based): chr11:119,054,497, G>A on the plus strand (C>T on the coding strand, the complement: HYOU1 is on the minus strand). VCF-style: chr11-119054497-G-A. GRCh37 (hg19) VCF-style: chr11-118925209-G-A.
Other names: c.675C>T, p.Ala225= (NM_001130991.3, NM_001411041.1).
Identifiers: ClinVar variation 2007359 (VCV002007359.4), dbSNP rs2497195359, ClinGen allele CA2580083633.

ClinVar aggregate classification (germline): Uncertain significance (1 of 4 stars; one submission).

Allele frequency attached by ClinVar (database versions not stated): gnomAD exomes below 0.00001.
gnomAD v4.1: 1 of 1,614,086 alleles (0.000062%); highest among the groups gnomAD compares: Non-Finnish European, 0.000085%; no homozygotes.

Submission:

Labcorp Genetics (formerly Invitae), Labcorp
Classification: Uncertain significance. Last evaluated: 2022-09-07. Review status: criteria provided, single submitter. Criteria: Invitae Variant Classification Sherloc (09022015). Collection method: clinical testing. Allele origin: germline.
Comment: This variant is not present in population databases (gnomAD no frequency). In summary, the available evidence is currently insufficient to determine the role of this variant in disease. Therefore, it has been classified as a Variant of Uncertain Significance. This variant has not been reported in the literature in individuals affected with HYOU1-related conditions. This sequence change affects codon 225 of the HYOU1 mRNA. It is a 'silent' change, meaning that it does not change the encoded amino acid sequence of the HYOU1 protein.